The following is an entry in ClinVar:

NM_000553.6(WRN):c.1478A>G (p.Lys493Arg)

Gene: WRN (WRN RecQ like helicase; plus strand). Cytogenetic location: 8p12.
Variant type: single nucleotide variant.
Coding change: c.1478A>G on transcript NM_000553.6 (MANE Select); coding-DNA position 1478, A replaced by G.
Protein change: p.Lys493Arg; replaces lysine 493 with arginine.
Molecular consequence: missense variant.
Genome position (GRCh38, 1-based): chr8:31,087,822, A>G. VCF-style: chr8-31087822-A-G. GRCh37 (hg19) VCF-style: chr8-30945338-A-G.
Other names: short protein forms K493R.
Identifiers: ClinVar variation 1497283 (VCV001497283.6), dbSNP rs1563342990, ClinGen allele CA370924364.

ClinVar aggregate classification (germline): Uncertain significance (1 of 4 stars; one submission).

Conditions:
Werner syndrome (WRN). Identifiers: Orphanet 902, MedGen C0043119, MONDO:0010196, OMIM 277700.

Submission:

Labcorp Genetics (formerly Invitae), Labcorp
Classification: Uncertain significance for Werner syndrome. Last evaluated: 2021-10-15. Review status: criteria provided, single submitter. Criteria: Invitae Variant Classification Sherloc (09022015). Collection method: clinical testing. Allele origin: germline.
Comment: Algorithms developed to predict the effect of missense changes on protein structure and function are either unavailable or do not agree on the potential impact of this missense change (SIFT: "Not Available"; PolyPhen-2: "Benign"; Align-GVGD: "Not Available"). Algorithms developed to predict the effect of sequence changes on RNA splicing suggest that this variant may create or strengthen a splice site. This variant has not been reported in the literature in individuals affected with WRN-related conditions. This variant is not present in population databases (ExAC no frequency). This sequence change replaces lysine with arginine at codon 493 of the WRN protein (p.Lys493Arg). The lysine residue is weakly conserved and there is a small physicochemical difference between lysine and arginine. In summary, the available evidence is currently insufficient to determine the role of this variant in disease. Therefore, it has been classified as a Variant of Uncertain Significance.